The following is an entry in ClinVar:

NM_004168.4(SDHA):c.1321G>A (p.Ala441Thr)

Gene: SDHA (succinate dehydrogenase complex flavoprotein subunit A; plus strand). Cytogenetic location: 5p15.33.
Variant type: single nucleotide variant.
Coding change: c.1321G>A on transcript NM_004168.4 (MANE Select); coding-DNA position 1321, G replaced by A.
Protein change: p.Ala441Thr; replaces alanine 441 with threonine.
Molecular consequence: missense variant.
Genome position (GRCh38, 1-based): chr5:236,488, G>A. VCF-style: chr5-236488-G-A. GRCh37 (hg19) VCF-style: chr5-236603-G-A.
Other names: c.1177G>A, p.Ala393Thr (NM_001294332.2); c.1321G>A, p.Ala441Thr (NM_001330758.2); short protein forms A393T, A441T.
Identifiers: ClinVar variation 3754199 (VCV003754199.2).
Genomic context (GRCh38, chr5:236,488, plus strand): 5'-GTCCTGAGGCACGTGAATGGCCAGGATCAGATTGTGCCCGGCCTGTACGCCTGTGGGGAG[G>A]CCGCCTGTGCCTCGGTACATGGTGCCAACCGCCTCGGGGCAAACTCGCTCTTGGACCTGG-3'
Protein context (NP_004159.2, residues 431-451): IVPGLYACGE[Ala441Thr]ACASVHGANR

ClinVar aggregate classification (germline): Uncertain significance (1 of 4 stars; one submission).

Conditions:
Mitochondrial complex II deficiency, nuclear type 1. Also called: SUCCINATE CoQ REDUCTASE DEFICIENCY. Identifiers: Orphanet 3208, MedGen C5700310, MONDO:0100294, OMIM 252011.
Pheochromocytoma/paraganglioma syndrome 5. Also called: Paragangliomas 5; SDHA-Related Hereditary Paraganglioma-Pheochromocytoma Syndrome. Identifiers: Orphanet 29072, MedGen C3279992, MONDO:0013602, OMIM 614165.

Submission:

Labcorp Genetics (formerly Invitae), Labcorp
Classification: Uncertain significance for Pheochromocytoma/paraganglioma syndrome 5; Mitochondrial complex II deficiency, nuclear type 1. Last evaluated: 2024-06-24. Review status: criteria provided, single submitter. Criteria: Invitae Variant Classification Sherloc (09022015). Collection method: clinical testing. Allele origin: germline.
Comment: This sequence change replaces alanine, which is neutral and non-polar, with threonine, which is neutral and polar, at codon 441 of the SDHA protein (p.Ala441Thr). This variant is not present in population databases (gnomAD no frequency). This variant has not been reported in the literature in individuals affected with SDHA-related conditions. Advanced modeling of protein sequence and biophysical properties (such as structural, functional, and spatial information, amino acid conservation, physicochemical variation, residue mobility, and thermodynamic stability) performed at Invitae indicates that this missense variant is not expected to disrupt SDHA protein function with a negative predictive value of 95%. In summary, the available evidence is currently insufficient to determine the role of this variant in disease. Therefore, it has been classified as a Variant of Uncertain Significance.